The following is an entry in ClinVar:

ClinVar aggregate classification (germline): Pathogenic (1 of 4 stars; one submission).

Conditions:
Glycogen storage disease, type VII (GSD7). Also called: TARUI DISEASE; PFKM DEFICIENCY; GSD VII; MUSCLE PHOSPHOFRUCTOKINASE DEFICIENCY. Identifiers: Orphanet 371, MedGen C0017926, MONDO:0009295, OMIM 232800.

Submission:

Labcorp Genetics (formerly Invitae), Labcorp
Classification: Pathogenic for Glycogen storage disease, type VII. Last evaluated: 2021-08-03. Review status: criteria provided, single submitter. Criteria: Invitae Variant Classification Sherloc (09022015). Collection method: clinical testing. Allele origin: germline.
Comment: This variant is not present in population databases (ExAC no frequency). For these reasons, this variant has been classified as Pathogenic. This variant has not been reported in the literature in individuals affected with PFKM-related conditions. This sequence change creates a premature translational stop signal (p.Phe568Leufs*49) in the PFKM gene. It is expected to result in an absent or disrupted protein product. Loss-of-function variants in PFKM are known to be pathogenic (PMID: 7825568, 8037209).

Literature cited by the submitters: PubMed 7825568; PubMed 8037209.

NM_000289.6(PFKM):c.1704del (p.Phe568fs)

Gene: PFKM (phosphofructokinase, muscle; plus strand). Cytogenetic location: 12q13.11.
Variant type: Deletion.
Coding change: c.1704del on transcript NM_000289.6 (MANE Select); coding-DNA position 1704, one base deleted (T; older notation c.1704delT).
Protein change: p.Phe568fs; shifts the reading frame from phenylalanine 568.
Molecular consequence: frameshift variant. On other transcripts: non-coding transcript variant (6).
Genome position (GRCh38, 1-based): chr12:48,142,832, T deleted; the last of 3 consecutive T bases (chr12:48,142,830-48,142,832); deleting any one gives the same sequence. VCF-style (leftmost placement, unchanged base first): chr12-48142829-GT-G. GRCh37 (hg19) VCF-style: chr12-48536612-GT-G.
Other names: c.1917del, p.Phe639fs (NM_001166686.2, NM_001354737.1, NM_001354738.1 and 1 more transcripts); c.1704del, p.Phe568fs (NM_001166687.2, NM_001166688.2, NM_001354742.2 and 2 more transcripts); c.2013del, p.Phe671fs (NM_001354735.1, NM_001354736.1); c.1848del, p.Phe616fs (NM_001354740.1); c.1728del, p.Phe576fs (NM_001354741.2); c.1617del, p.Phe539fs (NM_001354745.2); c.1578del, p.Phe526fs (NM_001354746.2); c.1554del, p.Phe518fs (NM_001354747.2, NM_001354748.2); and 1 more; short protein forms F526fs, F568fs, F671fs, F539fs, F576fs, F616fs, F639fs, F518fs.
Identifiers: ClinVar variation 1429205 (VCV001429205.6), dbSNP rs2136019667, ClinGen allele CA2573148745.